The following is an entry in ClinVar:

ClinVar aggregate classification (germline): Pathogenic (1 of 4 stars; one submission).

Conditions:
PURA-related severe neonatal hypotonia-seizures-encephalopathy syndrome (NEDRIHF). Also called: NEURODEVELOPMENTAL DISORDER WITH NEONATAL RESPIRATORY INSUFFICIENCY, HYPOTONIA, AND FEEDING DIFFICULTIES; PURA-Related Neurodevelopmental Disorders. Identifiers: Orphanet 438213, Orphanet 438216, MedGen C4015357, MONDO:1060108, OMIM 616158, MONDO:0018580.

Submission:

Imagene.me medical diagnostic laboratory, IMAGENE.ME SA
Classification: Pathogenic for PURA-related severe neonatal hypotonia-seizures-encephalopathy syndrome. Last evaluated: 2023-03-20. Review status: criteria provided, single submitter. Criteria: IMAGENE.ME Variant Classification SOP 2022. Collection method: clinical testing. Allele origin: de novo. Inheritance: Autosomal dominant inheritance. Affected: yes. Observed: 1 heterozygote.
Comment: Variant NM_005859.5:c.493G>T; Heterozygous; de novo. 1-10 y.o.; Delayed speech; Hypotonia; Gait imbalance; Psychomotor developmental delay; Delayed frontal lobe myelination. Classified according to the IMAGENE.ME variant classification SOP based on the ACMG guidelines as Pathogenic (P): PS2 + PM1 + PM2_Supporting + PM5_Supporting + PP2 + PP3

NM_005859.5(PURA):c.493G>T (p.Gly165Cys)

Gene: PURA (purine rich element binding protein A; plus strand). Cytogenetic location: 5q31.3.
Variant type: single nucleotide variant.
Coding change: c.493G>T on transcript NM_005859.5 (MANE Select); coding-DNA position 493, G replaced by T.
Protein change: p.Gly165Cys; replaces glycine 165 with cysteine.
Molecular consequence: missense variant.
Genome position (GRCh38, 1-based): chr5:140,114,674, G>T. VCF-style: chr5-140114674-G-T. GRCh37 (hg19) VCF-style: chr5-139494259-G-T.
Other names: short protein forms G165C.
Identifiers: ClinVar variation 2444854 (VCV002444854.2), dbSNP rs1561793272, ClinGen allele CA361490899.